The following is an entry in ClinVar:

NM_000492.4(CFTR):c.743+2del

Gene: CFTR (CF transmembrane conductance regulator; plus strand). Cytogenetic location: 7q31.2.
Variant type: Deletion.
Coding change: c.743+2del on transcript NM_000492.4 (MANE Select); the canonical splice donor site of the intron after coding-DNA position 743, one base deleted (T; older notation c.743+2delT).
Molecular consequence: splice donor variant.
Genome position (GRCh38, 1-based): chr7:117,535,413, T deleted. VCF-style (leftmost placement, unchanged base first): chr7-117535412-GT-G. GRCh37 (hg19) VCF-style: chr7-117175466-GT-G.
Other names: c.743+2delT (NM_000492.4).
Identifiers: ClinVar variation 3907548 (VCV003907548.1).

ClinVar aggregate classification (germline): Pathogenic (1 of 4 stars; one submission).

Conditions:
Cystic fibrosis (CF). Also called: MUCOVISCIDOSIS. Identifiers: Orphanet 586, MedGen C0010674, MONDO:0009061, OMIM 219700. Disease mechanism: loss of function.

Submission:

Women's Health and Genetics/Laboratory Corporation of America, LabCorp
Classification: Pathogenic for Cystic fibrosis. Last evaluated: 2025-06-25. Review status: criteria provided, single submitter. Criteria: LabCorp Variant Classification Summary - May 2015. Collection method: clinical testing. Allele origin: germline.
Comment: Variant summary: CFTR c.743+2delT is located in a canonical splice-site and is predicted to affect mRNA splicing resulting in a significantly altered protein due to either exon skipping, shortening, or inclusion of intronic material. Variants that disrupt the consensus splice site are a relatively common cause of aberrant splicing and loss of CFTR function. Several computational tools predict a significant impact on normal splicing: Four predict the variant abolishes a canonical 5' splicing donor site. However, these predictions have yet to be confirmed by functional studies. The variant was absent in 251316 control chromosomes. To our knowledge, no occurrence of c.743+2delT in individuals affected with Cystic Fibrosis and no experimental evidence demonstrating its impact on protein function have been reported. Other splice variant(s) at this site have been classified Pathogenic (CV ID 3628587). No submitters have cited clinical-significance assessments for this variant to ClinVar. Based on the evidence outlined above, the variant was classified as pathogenic.